The following is an entry in ClinVar:

ClinVar aggregate classification (germline): Likely pathogenic. Review status: criteria provided, multiple submitters, no conflicts (2 of 4 stars). 3 submissions from 3 submitters: Likely pathogenic (2). 1 of the submissions does not count toward it. Last evaluated 2023-04-20.

Conditions:
Cerebral creatine deficiency syndrome. Also called: Creatine deficiency syndromes. Identifiers: Orphanet 79172, MedGen C5244016, MONDO:0000456.
Deficiency of guanidinoacetate methyltransferase (CCDS2). Also called: GAMT DEFICIENCY; Guanidinoacetate Methyltransferase (GAMT) Deficiency; CEREBRAL CREATINE DEFICIENCY SYNDROME 2. Identifiers: Orphanet 382, MedGen C0574080, MONDO:0012999, OMIM 612736.

Allele frequency attached by ClinVar (database versions not stated): gnomAD exomes below 0.00001; TOPMed below 0.00001.
gnomAD v4.1: 2 of 1,613,322 alleles (0.00012%); no homozygotes.

Submissions (3):

Labcorp Genetics (formerly Invitae), Labcorp
Classification: Likely pathogenic for Cerebral creatine deficiency syndrome. Last evaluated: 2023-04-20. Review status: criteria provided, single submitter. Criteria: Invitae Variant Classification Sherloc (09022015). Collection method: clinical testing. Allele origin: germline.
Comment: ClinVar contains an entry for this variant (Variation ID: 205586). In summary, the currently available evidence indicates that the variant is pathogenic, but additional data are needed to prove that conclusively. Therefore, this variant has been classified as Likely Pathogenic. This variant disrupts the C-terminus of the GAMT protein. Other variant(s) that disrupt this region (p.Gln193*, p.Glu176Serfs*2, p.Glu176Glyfs*15) have been observed in individuals with GAMT-related conditions (PMID: 15108290, 19288536, 23234264). This suggests that this may be a clinically significant region of the protein. This variant has not been reported in the literature in individuals affected with GAMT-related conditions. This variant is not present in population databases (gnomAD no frequency). This sequence change creates a premature translational stop signal (p.Glu176*) in the GAMT gene. While this is not anticipated to result in nonsense mediated decay, it is expected to disrupt the last 61 amino acid(s) of the GAMT protein.

GeneDx
Classification: Likely pathogenic. Last evaluated: 2020-06-19. Review status: criteria provided, single submitter. Criteria: GeneDx Variant Classification Process June 2021. Collection method: clinical testing. Allele origin: germline. Affected: yes.
Comment: Nonsense variant in the C-terminus predicted to result in protein truncation, as the last 61 amino acids are lost, and other loss-of-function variants have been reported downstream in the Human Gene Mutation Database (Stenson et al., 2014); Has not been previously published as pathogenic or benign to our knowledge

Natera, Inc.
Classification: Likely pathogenic for Guanidinoacetate methyltransferase deficiency. Last evaluated: 2017-06-16. Review status: no assertion criteria provided. Collection method: clinical testing. Allele origin: germline. Not counted in ClinVar's aggregate classification.

Literature cited by the submitters: PubMed 15108290 (cited by Labcorp Genetics (formerly Invitae), Labcorp); PubMed 19288536 (cited by Labcorp Genetics (formerly Invitae), Labcorp); PubMed 23234264 (cited by Labcorp Genetics (formerly Invitae), Labcorp).

NM_000156.6(GAMT):c.526G>T (p.Glu176Ter)

Gene: GAMT (guanidinoacetate N-methyltransferase; minus strand). Cytogenetic location: 19p13.3.
Variant type: single nucleotide variant.
Coding change: c.526G>T on transcript NM_000156.6 (MANE Select); coding-DNA position 526, G replaced by T.
Protein change: p.Glu176Ter; replaces glutamic acid 176 with a stop codon.
Molecular consequence: nonsense.
Genome position (GRCh38, 1-based): chr19:1,398,960, C>A on the plus strand (G>T on the coding strand, the complement: GAMT is on the minus strand). VCF-style: chr19-1398960-C-A. GRCh37 (hg19) VCF-style: chr19-1398959-C-A.
Other names: p.E176*:GAG>TAG; c.526G>T, p.Glu176Ter (NM_138924.3); short protein forms E176*.
Identifiers: ClinVar variation 205586 (VCV000205586.13), dbSNP rs796052525, ClinGen allele CA314816.